The following is an entry in ClinVar:

ClinVar aggregate classification (germline): Uncertain significance. Review status: criteria provided, multiple submitters, no conflicts (2 of 4 stars). 2 submissions from 2 submitters: Uncertain significance (2). Last evaluated 2025-07-22.

Conditions:
Ataxia-telangiectasia syndrome (AT). Also called: LOUIS-BAR SYNDROME; Cerebello-oculocutaneous telangiectasia; Immunodeficiency with ataxia telangiectasia; Ataxia-telangiectasia, complementation group D; AT, COMPLEMENTATION GROUP C; Ataxia telangiectasia (A-T). Identifiers: Orphanet 100, MedGen C0004135, MONDO:0008840, OMIM 208900.
Hereditary cancer-predisposing syndrome. Also called: Neoplastic Syndromes, Hereditary; Tumor predisposition; Hereditary Cancer Syndrome; Hereditary neoplastic syndrome. Identifiers: Orphanet 140162, MedGen C0027672, MeSH D009386, MONDO:0015356.

Submissions (2):

Labcorp Genetics (formerly Invitae), Labcorp
Classification: Uncertain significance for Ataxia-telangiectasia syndrome. Last evaluated: 2025-07-22. Review status: criteria provided, single submitter. Criteria: Invitae Variant Classification Sherloc (09022015). Collection method: clinical testing. Allele origin: germline.
Comment: This sequence change replaces aspartic acid, which is acidic and polar, with histidine, which is basic and polar, at codon 2650 of the ATM protein (p.Asp2650His). This variant is not present in population databases (gnomAD no frequency). This variant has not been reported in the literature in individuals affected with ATM-related conditions. Invitae Evidence Modeling of protein sequence and biophysical properties (such as structural, functional, and spatial information, amino acid conservation, physicochemical variation, residue mobility, and thermodynamic stability) indicates that this missense variant is not expected to disrupt ATM protein function with a negative predictive value of 95%. In summary, the available evidence is currently insufficient to determine the role of this variant in disease. Therefore, it has been classified as a Variant of Uncertain Significance.

Ambry Genetics
Classification: Uncertain significance for Hereditary cancer-predisposing syndrome. Last evaluated: 2025-05-11. Review status: criteria provided, single submitter. Criteria: Ambry Variant Classification Scheme 2023. Collection method: clinical testing. Allele origin: germline.
Comment: The p.D2650H variant (also known as c.7948G>C), located in coding exon 53 of the ATM gene, results from a G to C substitution at nucleotide position 7948. The aspartic acid at codon 2650 is replaced by histidine, an amino acid with similar properties. This amino acid position is conserved. In addition, this alteration is predicted to be tolerated by in silico analysis. Based on the available evidence, the clinical significance of this variant remains unclear.

NM_000051.4(ATM):c.7948G>C (p.Asp2650His)

Genes: ATM (ATM serine/threonine kinase; plus strand), C11orf65 (chromosome 11 open reading frame 65; minus strand). Cytogenetic location: 11q22.3.
Variant type: single nucleotide variant.
Coding change: c.7948G>C on transcript NM_000051.4 (MANE Select); coding-DNA position 7948, G replaced by C.
Protein change: p.Asp2650His; replaces aspartic acid 2650 with histidine.
Molecular consequence: missense variant. On other transcripts: intron variant (2).
Genome position (GRCh38, 1-based): chr11:108,333,906, G>C. VCF-style: chr11-108333906-G-C. GRCh37 (hg19) VCF-style: chr11-108204633-G-C.
Other names: c.7948G>C, p.Asp2650His (NM_001351834.2); c.641-24835C>G (NM_001330368.2); c.*38+1314C>G (NM_001351110.2); short protein forms D2650H.
Identifiers: ClinVar variation 3967014 (VCV003967014.1).
Genomic context (GRCh38, chr11:108,333,906, plus strand): 5'-CCTCAGTTTGTCACTAAAATCTCTTCATTTTTAAATACAGAAGGCATAAATATTCCAGCA[G>C]ACCAGCCAATTACTAAACTTAAGAATTTAGAAGATGTTGTTGTCCCTACTATGGAAATTA-3'
Protein context (NP_000042.3, residues 2640-2660): TQRKGINIPA[Asp2650His]QPITKLKNLE